The following is an entry in ClinVar:

NM_001365276.2(TNXB):c.113G>C (p.Arg38Pro)

Gene: TNXB (tenascin XB; minus strand). Cytogenetic location: 6p21.33.
Variant type: single nucleotide variant.
Coding change: c.113G>C on transcript NM_001365276.2 (MANE Select); coding-DNA position 113, G replaced by C.
Protein change: p.Arg38Pro; replaces arginine 38 with proline.
Molecular consequence: missense variant.
Genome position (GRCh38, 1-based): chr6:32,098,086, C>G on the plus strand (G>C on the coding strand, the complement: TNXB is on the minus strand). VCF-style: chr6-32098086-C-G. GRCh37 (hg19) VCF-style: chr6-32065863-C-G.
Other names: c.113G>C, p.Arg38Pro (NM_001428335.1, NM_019105.8); short protein forms R38P.
Identifiers: ClinVar variation 3364032 (VCV003364032.1).
Genomic context (GRCh38, chr6:32,098,086, plus strand): 5'-TGAGAAGAGGGGCTTCCCACTCCAGCCCCCACTGTGTGGCCCCCTGGCTGGGGAGGGGGC[C>G]GGGGGGCTGGCAGTGTCACATTGGACCGTGAAGAGAAGGGGCCTGCTCTGGCTGTGCTCA-3'
Protein context (NP_001352205.1, residues 28-48): SRSNVTLPAP[Arg38Pro]PPPQPGGHTV

ClinVar aggregate classification (germline): Uncertain significance (1 of 4 stars; one submission).

gnomAD v4.1: 1 of 1,605,028 alleles (0.000062%); highest among the groups gnomAD compares: Admixed American, 0.0017%; no homozygotes.

Submission:

GeneDx
Classification: Uncertain significance. Last evaluated: 2023-11-08. Review status: criteria provided, single submitter. Criteria: GeneDx Variant Classification Process June 2021. Collection method: clinical testing. Allele origin: germline. Affected: yes.
Comment: Not observed at significant frequency in large population cohorts (gnomAD); In silico analysis supports that this missense variant has a deleterious effect on protein structure/function; Has not been previously published as pathogenic or benign to our knowledge